The following is an entry in ClinVar:

ClinVar aggregate classification (germline): Uncertain significance (1 of 4 stars; one submission).

Submission:

GeneDx
Classification: Uncertain significance. Last evaluated: 2024-08-14. Review status: criteria provided, single submitter. Criteria: GeneDx Variant Classification Process June 2021. Collection method: clinical testing. Allele origin: germline. Affected: yes.
Comment: Frameshift variant predicted to result in abnormal protein length as the last 20 amino acids are replaced with 39 different amino acids; Not observed at significant frequency in large population cohorts (gnomAD); Has not been previously published as pathogenic or benign to our knowledge

NM_000543.5(SMPD1):c.1816_1834dup (p.Leu612fs)

Gene: SMPD1 (sphingomyelin phosphodiesterase 1; plus strand). Cytogenetic location: 11p15.4.
Variant type: Duplication.
Coding change: c.1816_1834dup on transcript NM_000543.5 (MANE Select); coding-DNA positions 1816 to 1834, 19 bases duplicated (CCTGCTCTGTGCCGCCACC).
Protein change: p.Leu612fs; shifts the reading frame from leucine 612.
Molecular consequence: frameshift variant. On other transcripts: 3 prime UTR variant (1), non-coding transcript variant (2).
Genome position (GRCh38, 1-based): chr11:6,394,527-6,394,545, CCTGCTCTGTGCCGCCACC duplicated; duplicating any 19 consecutive bases within chr11:6,394,526-6,394,545 gives the same sequence; the c. name uses the placement nearest the transcript's 3' end. VCF-style (leftmost placement, unchanged base first): chr11-6394525-G-GCCCTGCTCTGTGCCGCCAC. GRCh37 (hg19) VCF-style: chr11-6415755-G-GCCCTGCTCTGTGCCGCCAC.
Other names: c.1813_1831dup, p.Leu611fs (NM_001007593.3); c.*309_*327dup (NM_001318087.2); c.895_913dup, p.Leu305fs (NM_001318088.2); c.1684_1702dup, p.Leu568fs (NM_001365135.2); short protein forms L611fs, L612fs, L568fs, L305fs.
Identifiers: ClinVar variation 3731100 (VCV003731100.1).
Genomic context (GRCh38, chr11:6,394,525, plus strand): 5'-CCTGTGGCACGCCCTGCCGTCTGGCTACTCTTTGTGCCCAGCTCTCTGCCCGTGCTGACA[G>GCCCTGCTCTGTGCCGCCAC]CCCTGCTCTGTGCCGCCACCTGATGCCAGATGGGAGCCTCCCAGAGGCCCAGAGCCTGTG-3'